The following is an entry in ClinVar:

ClinVar aggregate classification (germline): Uncertain significance. Review status: criteria provided, multiple submitters, no conflicts (2 of 4 stars). 2 submissions from 2 submitters: Uncertain significance (2). Last evaluated 2024-11-24.

Conditions:
Inborn genetic diseases. Identifiers: MedGen C0950123, MeSH D030342.
Lafora disease. Also called: Epilepsy progressive myoclonic 2; Progressive Myoclonus Epilepsy, Lafora Type. Identifiers: Orphanet 501, MedGen C0751783, MONDO:0009697.

gnomAD v4.1: 1 of 1,591,652 alleles (0.000063%); highest among the groups gnomAD compares: Non-Finnish European, 0.000085%; no homozygotes.

Submissions (2):

Ambry Genetics
Classification: Uncertain significance for Inborn genetic diseases. Last evaluated: 2024-11-24. Review status: criteria provided, single submitter. Criteria: Ambry Variant Classification Scheme 2023. Collection method: clinical testing. Allele origin: germline.

Labcorp Genetics (formerly Invitae), Labcorp
Classification: Uncertain significance for Lafora disease. Last evaluated: 2021-03-06. Review status: criteria provided, single submitter. Criteria: Invitae Variant Classification Sherloc (09022015). Collection method: clinical testing. Allele origin: germline.
Comment: This variant is not present in population databases (ExAC no frequency). This sequence change replaces alanine with threonine at codon 103 of the NHLRC1 protein (p.Ala103Thr). The alanine residue is highly conserved and there is a small physicochemical difference between alanine and threonine. This variant has not been reported in the literature in individuals with NHLRC1-related conditions. In summary, the available evidence is currently insufficient to determine the role of this variant in disease. Therefore, it has been classified as a Variant of Uncertain Significance. Algorithms developed to predict the effect of missense changes on protein structure and function output the following: SIFT: "Deleterious"; PolyPhen-2: "Benign"; Align-GVGD: "Class C0". The threonine amino acid residue is found in multiple mammalian species, suggesting that this missense change does not adversely affect protein function. These predictions have not been confirmed by published functional studies and their clinical significance is uncertain.

NM_198586.3(NHLRC1):c.307G>A (p.Ala103Thr)

Gene: NHLRC1 (NHL repeat containing E3 ubiquitin protein ligase 1; minus strand). Cytogenetic location: 6p22.3.
Variant type: single nucleotide variant.
Coding change: c.307G>A on transcript NM_198586.3 (MANE Select); coding-DNA position 307, G replaced by A.
Protein change: p.Ala103Thr; replaces alanine 103 with threonine.
Molecular consequence: missense variant.
Genome position (GRCh38, 1-based): chr6:18,122,300, C>T on the plus strand (G>A on the coding strand, the complement: NHLRC1 is on the minus strand). VCF-style: chr6-18122300-C-T. GRCh37 (hg19) VCF-style: chr6-18122531-C-T.
Other names: short protein forms A103T.
Identifiers: ClinVar variation 840971 (VCV000840971.11), dbSNP rs568131096, ClinGen allele CA362828902.